The following is an entry in ClinVar:

NM_000282.4(PCCA):c.106-1G>A

Gene: PCCA (propionyl-CoA carboxylase subunit alpha; plus strand). Cytogenetic location: 13q32.3.
Variant type: single nucleotide variant.
Coding change: c.106-1G>A on transcript NM_000282.4 (MANE Select); the canonical splice acceptor site of the intron before coding-DNA position 106, G replaced by A.
Molecular consequence: splice acceptor variant. On other transcripts: intron variant (3).
Genome position (GRCh38, 1-based): chr13:100,102,882, G>A. VCF-style: chr13-100102882-G-A. GRCh37 (hg19) VCF-style: chr13-100755136-G-A.
Other names: c.106-1G>A (NM_001178004.2, NM_001352605.2, NM_001352606.2 and 1 more transcripts); c.-761-1G>A (NM_001352610.2, NM_001352611.2, NM_001352612.2); c.106-8959G>A (NM_001127692.3, NM_001352607.2, NM_001352608.2).
Identifiers: ClinVar variation 962880 (VCV000962880.9), dbSNP rs769819121, ClinGen allele CA7033096.
Genomic context (GRCh38, chr13:100,102,882, plus strand): 5'-GAAAAAATGTTCTAAAGCCCATCAAGTATTTGCAATTTATTTTGCTTTCCTTTTTTTGTA[G>A]CATGTTCTGTACTATTCAAGACAGTGCTTAATGGTGTCCCGTAATCTTGGTTCAGTGGGA-3'

ClinVar aggregate classification (germline): Likely pathogenic. Review status: criteria provided, multiple submitters, no conflicts (2 of 4 stars). 2 submissions from 2 submitters: Likely pathogenic (2). Last evaluated 2024-01-11.

Conditions:
Propionic acidemia (PROP). Also called: GLYCINEMIA, KETOTIC; HYPERGLYCINEMIA WITH KETOACIDOSIS AND LEUKOPENIA; KETOTIC HYPERGLYCINEMIA. Identifiers: Orphanet 35, MedGen C0268579, MONDO:0011628, OMIM 606054, HP:0003571.

Allele frequency attached by ClinVar (database versions not stated): gnomAD exomes below 0.00001; ExAC 0.00001.
gnomAD v4.1: 1 of 1,607,474 alleles (0.000062%); highest among the groups gnomAD compares: Non-Finnish European, 0.000085%; no homozygotes.

Submissions (2):

Labcorp Genetics (formerly Invitae), Labcorp
Classification: Likely pathogenic for Propionic acidemia. Last evaluated: 2024-01-11. Review status: criteria provided, single submitter. Criteria: Invitae Variant Classification Sherloc (09022015). Collection method: clinical testing. Allele origin: germline.
Comment: This sequence change affects an acceptor splice site in intron 1 of the PCCA gene. It is expected to disrupt RNA splicing. Variants that disrupt the donor or acceptor splice site typically lead to a loss of protein function (PMID: 16199547), and loss-of-function variants in PCCA are known to be pathogenic (PMID: 15464417). This variant is present in population databases (rs769819121, gnomAD 0.0009%). This variant has not been reported in the literature in individuals affected with PCCA-related conditions. ClinVar contains an entry for this variant (Variation ID: 962880). Algorithms developed to predict the effect of sequence changes on RNA splicing suggest that this variant may disrupt the consensus splice site. In summary, the currently available evidence indicates that the variant is pathogenic, but additional data are needed to prove that conclusively. Therefore, this variant has been classified as Likely Pathogenic.

Baylor Genetics
Classification: Likely pathogenic for Propionic acidemia. Last evaluated: 2023-01-25. Review status: criteria provided, single submitter. Criteria: ACMG Guidelines, 2015. Collection method: clinical testing. Allele origin: unknown.

Literature cited by the submitters: PubMed 16199547 (cited by Labcorp Genetics (formerly Invitae), Labcorp); PubMed 15464417 (cited by Labcorp Genetics (formerly Invitae), Labcorp).